The following is an entry in ClinVar:

ClinVar aggregate classification (germline): Uncertain significance (1 of 4 stars; one submission).

gnomAD v4.1: 50 of 1,614,110 alleles (0.0031%); highest among the groups gnomAD compares: South Asian, 0.0044%; no homozygotes.

Submission:

GeneDx
Classification: Uncertain significance. Last evaluated: 2025-01-08. Review status: criteria provided, single submitter. Criteria: GeneDx Variant Classification Process June 2021. Collection method: clinical testing. Allele origin: germline. Affected: yes.
Comment: In silico analysis supports that this missense variant has a deleterious effect on protein structure/function; Has not been previously published as pathogenic or benign to our knowledge

NM_018245.3(OGDHL):c.2744G>A (p.Arg915His)

Gene: OGDHL (oxoglutarate dehydrogenase L; minus strand). Cytogenetic location: 10q11.23.
Variant type: single nucleotide variant.
Coding change: c.2744G>A on transcript NM_018245.3 (MANE Select); coding-DNA position 2744, G replaced by A.
Protein change: p.Arg915His; replaces arginine 915 with histidine.
Molecular consequence: missense variant. On other transcripts: non-coding transcript variant (5).
Genome position (GRCh38, 1-based): chr10:49,736,367, C>T on the plus strand (G>A on the coding strand, the complement: OGDHL is on the minus strand). VCF-style: chr10-49736367-C-T. GRCh37 (hg19) VCF-style: chr10-50944413-C-T.
Other names: c.2573G>A, p.Arg858His (NM_001143996.2, NM_001347820.1); c.2117G>A, p.Arg706His (NM_001143997.2, NM_001347821.2, NM_001347822.1); c.2744G>A, p.Arg915His (NM_001347819.1); c.2564G>A, p.Arg855His (NM_001347823.1, NM_001347824.2); c.1937G>A, p.Arg646His (NM_001347825.2); c.1547G>A, p.Arg516His (NM_001347826.1); short protein forms R516H, R646H, R706H, R855H, R858H, R915H.
Identifiers: ClinVar variation 4056962 (VCV004056962.1).